The following is an entry in ClinVar:

NM_000038.6(APC):c.3786T>A (p.Tyr1262Ter)

Gene: APC (APC regulator of Wnt signaling pathway; plus strand). Cytogenetic location: 5q22.2.
Variant type: single nucleotide variant.
Coding change: c.3786T>A on transcript NM_000038.6 (MANE Select); coding-DNA position 3786, T replaced by A.
Protein change: p.Tyr1262Ter; replaces tyrosine 1262 with a stop codon.
Molecular consequence: nonsense.
Genome position (GRCh38, 1-based): chr5:112,839,380, T>A. VCF-style: chr5-112839380-T-A. GRCh37 (hg19) VCF-style: chr5-112175077-T-A.
Other names: c.3786T>A, p.Tyr1262Ter (NM_001127510.3, NM_001354895.2); c.3732T>A, p.Tyr1244Ter (NM_001127511.3); c.3840T>A, p.Tyr1280Ter (NM_001354896.2); c.3816T>A, p.Tyr1272Ter (NM_001354897.2); c.3711T>A, p.Tyr1237Ter (NM_001354898.2); c.3702T>A, p.Tyr1234Ter (NM_001354899.2); c.3663T>A, p.Tyr1221Ter (NM_001354900.2); c.3609T>A, p.Tyr1203Ter (NM_001354901.2); and 5 more; short protein forms Y1102*, Y1234*, Y1244*, Y979*, Y1171*, Y1280*, Y1136*, Y1203*.
Identifiers: ClinVar variation 968431 (VCV000968431.11), dbSNP rs147411334, ClinGen allele CA16029635.

ClinVar aggregate classification (germline): Pathogenic. Review status: criteria provided, single submitter (1 of 4 stars). 2 submissions from 2 submitters: Pathogenic (1). 1 of the submissions does not count toward it. Last evaluated 2025-06-27.

Conditions:
Familial adenomatous polyposis 1 (FAP1). Also called: POLYPOSIS, ADENOMATOUS INTESTINAL; FAMILIAL ADENOMATOUS POLYPOSIS 1, ATTENUATED. Identifiers: MedGen C2713442, MONDO:0021056, OMIM 175100. Disease mechanism: loss of function.

Submissions (2):

Labcorp Genetics (formerly Invitae), Labcorp
Classification: Pathogenic for Familial adenomatous polyposis 1. Last evaluated: 2025-06-27. Review status: criteria provided, single submitter. Criteria: Invitae Variant Classification Sherloc (09022015). Collection method: clinical testing. Allele origin: germline.
Comment: This sequence change creates a premature translational stop signal (p.Tyr1262*) in the APC gene. While this is not anticipated to result in nonsense mediated decay, it is expected to disrupt the last 1582 amino acid(s) of the APC protein. This variant is not present in population databases (gnomAD no frequency). This premature translational stop signal has been observed in individual(s) with familial adenomatous polyposis (PMID: 11247896, 17411426). ClinVar contains an entry for this variant (Variation ID: 968431). This variant is expected to disrupt the EB1 and HDLG binding sites, which mediate interactions with the cytoskeleton (PMID: 15311282, 17293347). While functional studies have not been performed to directly test the effect on APC protein function, this suggests that disruption of the C-terminal portion of the protein is functionally important. A different truncation (p.Tyr2645Lysfs*14) that lies downstream of this variant has been determined to be pathogenic (PMID: 9824584, 1316610, 27081525, 8381579, 22135120, internal data). This suggests that deletion of this region of the APC protein is causative of disease. For these reasons, this variant has been classified as Pathogenic.

Department of Pathology and Laboratory Medicine, Sinai Health System
Classification: Pathogenic for Familial adenomatous polyposis 1. Review status: no assertion criteria provided. Collection method: clinical testing. Allele origin: unknown. Affected: yes. Study: The Canadian Open Genetics Repository (COGR). Not counted in ClinVar's aggregate classification.
Comment: The APC p.Tyr1262* variant was identified in 2 of 1508 proband chromosomes (frequency: 0.001) from individuals or families with Familial adenomatous polyposis (Friedl 2001, Stekrova 2007). The variant was also identified in LOVD 3.0 (2x as pathogenic). In addition, another variant, c.3786T>G at the same position with different nucleotide change and same amino acid change, p.Tyr1262* was found in Clinvar and was classified as pathogenic. The c.3786T>A variant was not identified in dbSNP, ClinVar, the Exome Aggregation Consortium (August 8th 2016), or the Genome Aggregation Database (Feb 27, 2017). The c.3786T>A variant leads to a premature stop codon at position 1262 which is predicted to lead to a truncated or absent protein and loss of function. Loss of function variants of the APC gene are an established mechanism of disease in APC associated cancers and is the type of variant expected to cause the disorder. In summary, based on the above information this variant meets our laboratoryâ€šÃ„Ã´s criteria to be classified as pathogenic.

Literature cited by the submitters: PubMed 11247896 (cited by Labcorp Genetics (formerly Invitae), Labcorp); PubMed 17411426 (cited by Labcorp Genetics (formerly Invitae), Labcorp); PubMed 15311282 (cited by Labcorp Genetics (formerly Invitae), Labcorp); PubMed 17293347 (cited by Labcorp Genetics (formerly Invitae), Labcorp); PubMed 9824584 (cited by Labcorp Genetics (formerly Invitae), Labcorp); PubMed 1316610 (cited by Labcorp Genetics (formerly Invitae), Labcorp); PubMed 27081525 (cited by Labcorp Genetics (formerly Invitae), Labcorp); PubMed 8381579 (cited by Labcorp Genetics (formerly Invitae), Labcorp); PubMed 22135120 (cited by Labcorp Genetics (formerly Invitae), Labcorp).